The following is an entry in ClinVar:

ClinVar aggregate classification (germline): Uncertain significance. Review status: criteria provided, multiple submitters, no conflicts (2 of 4 stars). 3 submissions from 3 submitters: Uncertain significance (3). Last evaluated 2026-08-27.

Conditions:
UGT1A1-related disorder. Also called: UGT1A1-related disorders; UGT1A1-related condition.
Inborn genetic diseases. Identifiers: MedGen C0950123, MeSH D030342.

Allele frequency attached by ClinVar (database versions not stated): ExAC 0.00001; gnomAD exomes 0.00001.
gnomAD v4.1: 13 of 1,614,166 alleles (0.00081%); highest among the groups gnomAD compares: African/African-American, 0.0053%; no homozygotes.

Submissions (3):

PreventionGenetics, part of Exact Sciences
Classification: Uncertain significance for UGT1A1-related condition. Last evaluated: 2026-08-27. Review status: criteria provided, single submitter. Criteria: ACMG Guidelines, 2015. Collection method: clinical testing. Allele origin: germline.
Comment: The UGT1A1 c.673G>A variant is predicted to result in the amino acid substitution p.Val225Met. To our knowledge, this variant has not been reported in the literature. This variant is reported in 0.0033% of alleles in individuals of South Asian descent in gnomAD. An alternative substitution affecting the same amino acid residue (p.Val225Gly) has been reported in individuals with Crigler-Najjar syndrome (see for example: Perretti et al. 2007. PubMed ID: 18058623; Rodrigues et al. 2012. PubMed ID: 22325916). At this time, the clinical significance of this variant is uncertain due to the absence of conclusive functional and genetic evidence.

Ambry Genetics
Classification: Uncertain significance for Inborn genetic diseases. Last evaluated: 2022-01-28. Review status: criteria provided, single submitter. Criteria: Ambry Variant Classification Scheme 2023. Collection method: clinical testing. Allele origin: germline.

Revvity Omics, Revvity
Classification: Uncertain significance. Last evaluated: 2021-11-17. Review status: criteria provided, single submitter. Criteria: ACMG Guidelines, 2015. Collection method: clinical testing. Allele origin: germline.

NM_000463.3(UGT1A1):c.673G>A (p.Val225Met)

Genes: UGT1A9 (UDP glucuronosyltransferase family 1 member A9; plus strand), UGT1A5 (UDP glucuronosyltransferase family 1 member A5; plus strand), UGT1A6 (UDP glucuronosyltransferase family 1 member A6; plus strand), UGT1A7 (UDP glucuronosyltransferase family 1 member A7; plus strand), UGT1A (UDP glucuronosyltransferase family 1 member A complex locus; plus strand) and 5 more. Cytogenetic location: 2q37.1.
Variant type: single nucleotide variant.
Coding change: c.673G>A on transcript NM_000463.3 (MANE Select); coding-DNA position 673, G replaced by A.
Protein change: p.Val225Met; replaces valine 225 with methionine.
Molecular consequence: missense variant. On other transcripts: intron variant (9).
Genome position (GRCh38, 1-based): chr2:233,760,960, G>A. VCF-style: chr2-233760960-G-A. GRCh37 (hg19) VCF-style: chr2-234669606-G-A.
Other names: c.856-6074G>A (NM_019076.5, NM_019075.4, NM_021027.3 and 1 more transcripts); c.61-6074G>A (NM_205862.3); c.862-6074G>A (NM_001072.4); c.868-6074G>A (NM_019078.2, NM_007120.3, NM_019093.4); short protein forms V225M.
Identifiers: ClinVar variation 2219234 (VCV002219234.6), dbSNP rs144721642, ClinGen allele CA2179866.